The following is an entry in ClinVar:

ClinVar aggregate classification (germline): Conflicting classifications of pathogenicity. Review status: criteria provided, conflicting classifications (1 of 4 stars). 9 submissions from 9 submitters: Likely pathogenic (5); Uncertain significance (4). Last evaluated 2026-02-25.

Conditions:
Proteinuria, chronic benign. Identifiers: MedGen C5394384, MONDO:0030042, OMIM 618884.
Imerslund-Grasbeck syndrome type 1 (IGS1). Also called: MEGALOBLASTIC ANEMIA, 1; Imerslund-Gräsbeck syndrome 1; Megaloblastic anemia 1, Finnish type. Identifiers: MedGen C4016819, MONDO:0100156, OMIM 261100.
CUBN-related disorder. Also called: CUBN-related condition.
Imerslund-Grasbeck syndrome. Also called: Megaloblastic anemia due to inborn errors of metabolism; Imerslund-Gräsbeck syndrome; ENTEROCYTE COBALAMIN MALABSORPTION; ENTEROCYTE INTRINSIC FACTOR RECEPTOR, DEFECT OF; PERNICIOUS ANEMIA, JUVENILE, DUE TO SELECTIVE INTESTINAL MALABSORPTION OF VITAMIN B12, WITH PROTEINURIA. Identifiers: Orphanet 35858, MedGen C4551825, MONDO:0009853.

Allele frequency attached by ClinVar (database versions not stated): TOPMed 0.00029; ESP Exome Variant Server 0.00031; 1000 Genomes Project 0.00040; 1000 Genomes Project 30x 0.00047.
gnomAD v4.1: 629 of 1,614,036 alleles (0.039%); highest among the groups gnomAD compares: Non-Finnish European, 0.047%; 1 homozygote.

Submissions (9):

PreventionGenetics, part of Exact Sciences
Classification: Likely pathogenic for CUBN-related condition. Last evaluated: 2026-02-25. Review status: criteria provided, single submitter. Criteria: ACMG Guidelines, 2015. Collection method: clinical testing. Allele origin: germline.
Comment: The CUBN c.5840C>A variant is predicted to result in the amino acid substitution p.Ser1947Tyr. This variant was reported in the homozygous state in an individual with nephrotic range proteinuria (Supp. Table 3, P413 Bullich et al. 2018. PubMed ID: 29801666). This variant was reported as a variant of uncertain significance in the compound heterozygous and homozygous state in two additional patients with proteinuria (Domingo-Gallego et al. 2022. PubMed ID: 34610128). This variant is reported in 0.039% of alleles in individuals of European (non-Finnish) descent in gnomAD. This variant is interpreted as likely pathogenic.

First Genomix Gene Laboratory, Genetic Diagnostics Department
Classification: Likely pathogenic for Proteinuria, chronic benign; Imerslund-Grasbeck syndrome type 1. Last evaluated: 2025-06-20. Review status: criteria provided, single submitter. Criteria: ACMG Guidelines, 2015. Collection method: clinical testing. Allele origin: germline. Inheritance: Autosomal recessive inheritance. Affected: no. Observed: 1 variant allele.

GeneDx
Classification: Likely pathogenic. Last evaluated: 2024-12-17. Review status: criteria provided, single submitter. Criteria: GeneDx Variant Classification Process June 2021. Collection method: clinical testing. Allele origin: germline. Affected: yes.
Comment: In silico analysis supports that this missense variant has a deleterious effect on protein structure/function; This variant is associated with the following publications: (PMID: 34426522, 29801666, 34610128, 33532864, 31613795, 33693455, 33530161, 36913226)

Fulgent Genetics
Classification: Likely pathogenic for Imerslund-Grasbeck syndrome type 1; Proteinuria, chronic benign. Last evaluated: 2024-05-15. Review status: criteria provided, single submitter. Criteria: ACMG Guidelines, 2015. Collection method: clinical testing. Allele origin: germline.

ARUP Laboratories, Molecular Genetics and Genomics, ARUP Laboratories
Classification: Uncertain significance. Last evaluated: 2023-08-07. Review status: criteria provided, single submitter. Criteria: ARUP Molecular Germline Variant Investigation Process 2024. Collection method: clinical testing. Allele origin: germline.

CeGaT Center for Human Genetics Tuebingen
Classification: Uncertain significance. Last evaluated: 2022-11-01. Review status: criteria provided, single submitter. Criteria: CeGaT Center For Human Genetics Tuebingen Variant Classification Criteria Version 2. Collection method: clinical testing. Allele origin: germline. Affected: yes. Observed: 1 variant allele.
Comment: CUBN: PM2, PM3

Labcorp Genetics (formerly Invitae), Labcorp
Classification: Uncertain significance for Imerslund-Grasbeck syndrome. Last evaluated: 2022-08-19. Review status: criteria provided, single submitter. Criteria: Invitae Variant Classification Sherloc (09022015). Collection method: clinical testing. Allele origin: germline.
Comment: This sequence change replaces serine, which is neutral and polar, with tyrosine, which is neutral and polar, at codon 1947 of the CUBN protein (p.Ser1947Tyr). This variant is present in population databases (rs147617753, gnomAD 0.04%). This missense change has been observed in individual(s) with clinical features of Imerslund-GraÃàsbeck Syndrome (PMID: 29801666, 31613795, 33532864). ClinVar contains an entry for this variant (Variation ID: 299454). Algorithms developed to predict the effect of missense changes on protein structure and function are either unavailable or do not agree on the potential impact of this missense change (SIFT: "Tolerated"; PolyPhen-2: "Probably Damaging"; Align-GVGD: "Class C0"). In summary, the available evidence is currently insufficient to determine the role of this variant in disease. Therefore, it has been classified as a Variant of Uncertain Significance.

Molecular Biology Laboratory, Fundació Puigvert
Classification: Likely pathogenic for Proteinuria, chronic benign. Last evaluated: 2020-02-01. Review status: criteria provided, single submitter. Criteria: ACMG Guidelines, 2015. Collection method: research. Allele origin: inherited. Affected: yes.

Illumina Laboratory Services, Illumina
Classification: Uncertain significance for Imerslund-Grasbeck syndrome type 1. Last evaluated: 2018-01-13. Review status: criteria provided, single submitter. Criteria: ICSL Variant Classification Criteria 13 December 2019. Collection method: clinical testing. Allele origin: germline.

Literature cited by the submitters: PubMed 29801666 (cited by Labcorp Genetics (formerly Invitae), Labcorp); PubMed 31613795 (cited by Labcorp Genetics (formerly Invitae), Labcorp); PubMed 33532864 (cited by Labcorp Genetics (formerly Invitae), Labcorp and Molecular Biology Laboratory, Fundació Puigvert).

NM_001081.4(CUBN):c.5840C>A (p.Ser1947Tyr)

Gene: CUBN (cubilin; minus strand). Cytogenetic location: 10p13.
Variant type: single nucleotide variant.
Coding change: c.5840C>A on transcript NM_001081.4 (MANE Select); coding-DNA position 5840, C replaced by A.
Protein change: p.Ser1947Tyr; replaces serine 1947 with tyrosine.
Molecular consequence: missense variant.
Genome position (GRCh38, 1-based): chr10:16,937,678, G>T on the plus strand (C>A on the coding strand, the complement: CUBN is on the minus strand). VCF-style: chr10-16937678-G-T. GRCh37 (hg19) VCF-style: chr10-16979677-G-T.
Other names: short protein forms S1947Y.
Identifiers: ClinVar variation 299454 (VCV000299454.52), dbSNP rs147617753, ClinGen allele CA5423894.
Genomic context (GRCh38, chr10:16,937,678, plus strand): 5'-TCAGGTGCATCCACTGCAAACCACTCCAGAAGGAATCCCTTCCCTGAGATTGAAGAGTCG[G>T]AGTAAAAATGAAATGTCAAAGAATTTCCAGTGGAGCTGAAAGATTCAGTCTGGGTACCAC-3'
Protein context (NP_001072.2, residues 1937-1957): TGNSLTFHFY[Ser1947Tyr]DSSISGKGFL